The following is an entry in ClinVar:

ClinVar aggregate classification (germline): Pathogenic (1 of 4 stars; one submission).

Conditions:
Familial cancer of breast. Also called: Hereditary breast cancer; BREAST CANCER, FAMILIAL; hereditary breast carcinoma. Identifiers: Orphanet 227535, MedGen C0346153, MONDO:0016419, OMIM 114480. Disease mechanism: loss of function.

Submission:

Myriad Genetics, Inc.
Classification: Pathogenic for Familial cancer of breast. Last evaluated: 2023-09-07. Review status: criteria provided, single submitter. Criteria: Myriad Autosomal Dominant, Autosomal Recessive and X-Linked Classification Criteria (2023). Collection method: clinical testing. Allele origin: unknown.
Comment: This variant is considered pathogenic. This variant creates a frameshift predicted to result in premature protein truncation.

NM_024675.4(PALB2):c.854del (p.Ser285fs)

Gene: PALB2 (partner and localizer of BRCA2; minus strand). Cytogenetic location: 16p12.2.
Variant type: Deletion.
Coding change: c.854del on transcript NM_024675.4 (MANE Select); coding-DNA position 854, one base deleted (C; older notation c.854delC).
Protein change: p.Ser285fs; shifts the reading frame from serine 285.
Molecular consequence: frameshift variant. On other transcripts: 5 prime UTR variant (8), intron variant (3).
Genome position (GRCh38, 1-based): chr16:23,635,692, G deleted on the plus strand (C on the coding strand, the reverse complement: PALB2 is on the minus strand). VCF-style (leftmost placement, unchanged base first): chr16-23635691-TG-T. GRCh37 (hg19) VCF-style: chr16-23647012-TG-T.
Other names: c.-32del (NM_001407311.1, NM_001407304.1, NM_001407305.1 and 5 more transcripts); c.48+5418del (NM_001407314.1); c.-104-5223del (NM_001407313.1, NM_001407312.1); c.794del, p.Ser265fs (NM_001407296.1); c.854del, p.Ser285fs (NM_001407297.1, NM_001407298.1, NM_001407299.1 and 3 more transcripts); short protein forms S265fs, S285fs.
Identifiers: ClinVar variation 2674040 (VCV002674040.1), dbSNP rs2506497719, ClinGen allele CA2695197532.